The following is an entry in ClinVar:

NM_000051.4(ATM):c.8602C>A (p.Leu2868Ile)

Genes: ATM (ATM serine/threonine kinase; plus strand), C11orf65 (chromosome 11 open reading frame 65; minus strand). Cytogenetic location: 11q22.3.
Variant type: single nucleotide variant.
Coding change: c.8602C>A on transcript NM_000051.4 (MANE Select); coding-DNA position 8602, C replaced by A.
Protein change: p.Leu2868Ile; replaces leucine 2868 with isoleucine.
Molecular consequence: missense variant. On other transcripts: intron variant (2).
Genome position (GRCh38, 1-based): chr11:108,347,296, C>A. VCF-style: chr11-108347296-C-A. GRCh37 (hg19) VCF-style: chr11-108218023-C-A.
Other names: c.8602C>A, p.Leu2868Ile (NM_001351834.2); c.641-38225G>T (NM_001330368.2); c.695-12004G>T (NM_001351110.2); short protein forms L2868I.
Identifiers: ClinVar variation 135783 (VCV000135783.12), dbSNP rs587780642, ClinGen allele CA332360.

ClinVar aggregate classification (germline): Uncertain significance (1 of 4 stars; one submission).

Conditions:
Ataxia-telangiectasia syndrome (AT). Also called: Ataxia-telangiectasia, complementation group D; AT, COMPLEMENTATION GROUP C; Ataxia-telangiectasia; ATAXIA-TELANGIECTASIA, COMPLEMENTATION GROUP A; ATAXIA-TELANGIECTASIA, FRESNO VARIANT; Ataxia-telangiectasia, complementation group E. Identifiers: Orphanet 100, MedGen C0004135, MONDO:0008840, OMIM 208900.

Submission:

Labcorp Genetics (formerly Invitae), Labcorp
Classification: Uncertain significance for Ataxia-telangiectasia syndrome. Last evaluated: 2025-07-31. Review status: criteria provided, single submitter. Criteria: Invitae Variant Classification Sherloc (09022015). Collection method: clinical testing. Allele origin: germline.
Comment: This sequence change replaces leucine, which is neutral and non-polar, with isoleucine, which is neutral and non-polar, at codon 2868 of the ATM protein (p.Leu2868Ile). This variant is not present in population databases (gnomAD no frequency). This variant has not been reported in the literature in individuals affected with ATM-related conditions. ClinVar contains an entry for this variant (Variation ID: 135783). Invitae Evidence Modeling of protein sequence and biophysical properties (such as structural, functional, and spatial information, amino acid conservation, physicochemical variation, residue mobility, and thermodynamic stability) has been performed for this missense variant. However, the output from this modeling did not meet the statistical confidence thresholds required to predict the impact of this variant on ATM protein function. In summary, the available evidence is currently insufficient to determine the role of this variant in disease. Therefore, it has been classified as a Variant of Uncertain Significance.